The following is an entry in ClinVar:

NM_001366521.1(ATP2B1):c.2517del (p.Ala841fs)

Gene: ATP2B1 (ATPase plasma membrane Ca2+ transporting 1; minus strand). Cytogenetic location: 12q21.33.
Variant type: Deletion.
Coding change: c.2517del on transcript NM_001366521.1 (MANE Select); coding-DNA position 2517, one base deleted (T; older notation c.2517delT).
Protein change: p.Ala841fs; shifts the reading frame from alanine 841.
Molecular consequence: frameshift variant. On other transcripts: non-coding transcript variant (3).
Genome position (GRCh38, 1-based): chr12:89,604,272, A deleted on the plus strand (T on the coding strand, the reverse complement: ATP2B1 is on the minus strand); the first of 2 consecutive A bases (chr12:89,604,272-89,604,273); deleting either gives the same sequence. VCF-style (leftmost placement, unchanged base first): chr12-89604271-TA-T. GRCh37 (hg19) VCF-style: chr12-89998048-TA-T.
Other names: c.2478del, p.Ala828fs (NM_001413048.1); c.2517del, p.Ala841fs (NM_001413049.1, NM_001413050.1, NM_001682.3 and 12 more transcripts); c.2376del, p.Ala794fs (NM_001413051.1, NM_001413052.1, NM_001413055.1); c.2319del, p.Ala775fs (NM_001413053.1, NM_001366530.1); c.2274del, p.Ala760fs (NM_001413054.1); c.2262del, p.Ala756fs (NM_001413056.1); c.2064del, p.Ala690fs (NM_001413057.1); c.1956del, p.Ala654fs (NM_001413058.1, NM_001413059.1, NM_001413060.1 and 2 more transcripts); short protein forms A654fs, A690fs, A756fs, A760fs, A775fs, A794fs, A828fs, A841fs.
Identifiers: ClinVar variation 4851636 (VCV004851636.1).
Genomic context (GRCh38, chr12:89,604,271, plus strand): 5'-GTTGGAACTGAAGGAATTTTGAGATGCTGTCATAGACATTTCGTCCCCACATAACTGCTT[TA>T]ACAATGCTTGTAAAGTTGTCATCTGTGAGAATAATATCGGATGCTTCTTTAGCTACATCA-3'

ClinVar aggregate classification (germline): Likely pathogenic (1 of 4 stars; one submission).

Conditions:
Intellectual developmental disorder, autosomal dominant 66. Also called: MENTAL RETARDATION, AUTOSOMAL DOMINANT 66. Identifiers: MedGen C5677000, MONDO:0030891, OMIM 619910.

Submission:

Greenwood Genetic Center Diagnostic Laboratories, Greenwood Genetic Center
Classification: Likely pathogenic for Intellectual developmental disorder, autosomal dominant 66. Last evaluated: 2025-01-08. Review status: criteria provided, single submitter. Criteria: ACMG Guidelines, 2015. Collection method: clinical testing. Allele origin: germline. Affected: yes.
Comment: PVS1, PM2